The following is an entry in ClinVar:

ClinVar aggregate classification (germline): Conflicting classifications of pathogenicity. Review status: criteria provided, conflicting classifications (1 of 4 stars). 8 submissions from 8 submitters: Uncertain significance (4); Likely benign (2). 2 of the submissions do not count toward it. Last evaluated 2026-02-02.

Conditions:
Joubert syndrome 17 (JBTS17). Identifiers: Orphanet 475, MedGen C3553264, MONDO:0013824, OMIM 614615.

Allele frequency attached by ClinVar (database versions not stated): gnomAD exomes 0.00003 and 0.00006; 1000 Genomes Project 0.00020; ESP Exome Variant Server 0.00022; gnomAD 0.00023; TOPMed 0.00025; 1000 Genomes Project 30x 0.00031.
gnomAD v4.1: 81 of 1,552,100 alleles (0.0052%); highest among the groups gnomAD compares: African/African-American, 0.082%; no homozygotes.

Submissions (8):

Labcorp Genetics (formerly Invitae), Labcorp
Classification: Likely benign. Last evaluated: 2026-02-02. Review status: criteria provided, single submitter. Criteria: Invitae Variant Classification Sherloc (09022015). Collection method: clinical testing. Allele origin: germline.

Blueprint Genetics
Classification: Likely benign. Last evaluated: 2024-10-02. Review status: criteria provided, single submitter. Criteria: ACMG Guidelines, 2015. Collection method: clinical testing. Allele origin: germline.

Women's Health and Genetics/Laboratory Corporation of America, LabCorp
Classification: Uncertain significance. Last evaluated: 2024-03-28. Review status: criteria provided, single submitter. Criteria: LabCorp Variant Classification Summary - May 2015. Collection method: clinical testing. Allele origin: germline.
Comment: Variant summary: CPLANE1 c.1456G>A (p.Asp486Asn) results in a conservative amino acid change in the encoded protein sequence. Five of five in-silico tools predict a benign effect of the variant on protein function. The variant allele was found at a frequency of 0.0001 in 189998 control chromosomes, predominantly at a frequency of 0.00088 within the African or African-American subpopulation in the gnomAD database. The available data on variant occurrences in the general population are insufficient to allow any conclusion about variant significance. To our knowledge, no occurrence of c.1456G>A in individuals affected with Joubert Syndrome And Related Disorders and no experimental evidence demonstrating its impact on protein function have been reported. ClinVar contains an entry for this variant (Variation ID: 193928). Based on the evidence outlined above, the variant was classified as uncertain significance.

GeneDx
Classification: Uncertain significance. Last evaluated: 2021-01-11. Review status: criteria provided, single submitter. Criteria: GeneDx Variant Classification Process June 2021. Collection method: clinical testing. Allele origin: germline. Affected: yes.
Comment: In silico analysis supports that this missense variant does not alter protein structure/function; Has not been previously published as pathogenic or benign to our knowledge

Illumina Laboratory Services, Illumina
Classification: Uncertain significance for Joubert syndrome 17. Last evaluated: 2018-01-12. Review status: criteria provided, single submitter. Criteria: ICSL Variant Classification Criteria 13 December 2019. Collection method: clinical testing. Allele origin: germline.

Eurofins Ntd Llc (ga)
Classification: Uncertain significance. Last evaluated: 2014-08-20. Review status: criteria provided, single submitter. Criteria: EGL Classification Definitions 2015. Collection method: clinical testing. Allele origin: germline. Observed: 1 variant allele, 1 heterozygote.

Clinical Genetics DNA and cytogenetics Diagnostics Lab, Erasmus MC, Erasmus Medical Center
Classification: Likely benign. Review status: no assertion criteria provided. Collection method: clinical testing. Allele origin: germline. Affected: yes. Study: VKGL Data-share Consensus. Not counted in ClinVar's aggregate classification.

Laboratory of Diagnostic Genome Analysis, Leiden University Medical Center (LUMC)
Classification: Likely benign. Review status: no assertion criteria provided. Collection method: clinical testing. Allele origin: germline. Affected: yes. Study: VKGL Data-share Consensus. Not counted in ClinVar's aggregate classification.

NM_001384732.1(CPLANE1):c.1456G>A (p.Asp486Asn)

Gene: CPLANE1 (ciliogenesis and planar polarity effector complex subunit 1; minus strand). Cytogenetic location: 5p13.2.
Variant type: single nucleotide variant.
Coding change: c.1456G>A on transcript NM_001384732.1 (MANE Select); coding-DNA position 1456, G replaced by A.
Protein change: p.Asp486Asn; replaces aspartic acid 486 with asparagine.
Molecular consequence: missense variant.
Genome position (GRCh38, 1-based): chr5:37,227,308, C>T on the plus strand (G>A on the coding strand, the complement: CPLANE1 is on the minus strand). VCF-style: chr5-37227308-C-T. GRCh37 (hg19) VCF-style: chr5-37227410-C-T.
Other names: c.1456G>A, p.Asp486Asn (NM_023073.4); short protein forms D486N.
Identifiers: ClinVar variation 193928 (VCV000193928.27), dbSNP rs374411782, ClinGen allele CA239661.